The following is an entry in ClinVar:

NM_006073.4(TRDN):c.1853C>T (p.Ser618Phe)

Gene: TRDN (triadin; minus strand). Cytogenetic location: 6q22.31.
Variant type: single nucleotide variant.
Coding change: c.1853C>T on transcript NM_006073.4 (MANE Select); coding-DNA position 1853, C replaced by T.
Protein change: p.Ser618Phe; replaces serine 618 with phenylalanine.
Molecular consequence: missense variant.
Genome position (GRCh38, 1-based): chr6:123,259,641, G>A on the plus strand (C>T on the coding strand, the complement: TRDN is on the minus strand). VCF-style: chr6-123259641-G-A. GRCh37 (hg19) VCF-style: chr6-123580786-G-A.
Other names: short protein forms S618F.
Identifiers: ClinVar variation 660552 (VCV000660552.10), dbSNP rs1270608603, ClinGen allele CA365563670.

ClinVar aggregate classification (germline): Uncertain significance (1 of 4 stars; one submission).

Conditions:
Catecholaminergic polymorphic ventricular tachycardia 1. Also called: VENTRICULAR TACHYCARDIA, CATECHOLAMINERGIC POLYMORPHIC, 1, WITH OR WITHOUT ATRIAL DYSFUNCTION AND/OR DILATED CARDIOMYOPATHY; VENTRICULAR TACHYCARDIA, STRESS-INDUCED POLYMORPHIC 1; RYR2-Related Catecholaminergic Polymorphic Ventricular Tachycardia. Identifiers: Orphanet 3286, MedGen C1631597, MONDO:0011484, OMIM 604772.

Allele frequency attached by ClinVar (database versions not stated): gnomAD exomes 0.00001.
gnomAD v4.1: 1 of 1,468,366 alleles (0.000068%); highest among the groups gnomAD compares: Admixed American, 0.0022%; no homozygotes.

Submission:

Labcorp Genetics (formerly Invitae), Labcorp
Classification: Uncertain significance for Catecholaminergic polymorphic ventricular tachycardia 1. Last evaluated: 2018-08-01. Review status: criteria provided, single submitter. Criteria: Invitae Variant Classification Sherloc (09022015). Collection method: clinical testing. Allele origin: germline.
Comment: Algorithms developed to predict the effect of missense changes on protein structure and function are either unavailable or do not agree on the potential impact of this missense change (SIFT: "Deleterious"; PolyPhen-2: "Possibly Damaging"; Align-GVGD: "Class C0"). In summary, the available evidence is currently insufficient to determine the role of this variant in disease. Therefore, it has been classified as a Variant of Uncertain Significance. This variant has not been reported in the literature in individuals with TRDN-related disease. This sequence change replaces serine with phenylalanine at codon 618 of the TRDN protein (p.Ser618Phe). The serine residue is moderately conserved and there is a large physicochemical difference between serine and phenylalanine. This variant is not present in population databases (ExAC no frequency).